The following is an entry in ClinVar:

ClinVar aggregate classification (germline): Uncertain significance (1 of 4 stars; one submission).

Conditions:
Neurofibromatosis, type 1 (NF1). Also called: NEUROFIBROMATOSIS, TYPE I, SOMATIC; VON RECKLINGHAUSEN DISEASE; Neurofibromatosis, type I; Peripheral type neurofibromatosis. Identifiers: Orphanet 636, MedGen C0027831, MONDO:0018975, OMIM 162200. Disease mechanism: loss of function.

Submission:

Labcorp Genetics (formerly Invitae), Labcorp
Classification: Uncertain significance for Neurofibromatosis, type 1. Last evaluated: 2020-12-11. Review status: criteria provided, single submitter. Criteria: Invitae Variant Classification Sherloc (09022015). Collection method: clinical testing. Allele origin: germline.
Comment: In summary, the available evidence is currently insufficient to determine the role of this variant in disease. Therefore, it has been classified as a Variant of Uncertain Significance. Advanced modeling of protein sequence and biophysical properties (such as structural, functional, and spatial information, amino acid conservation, physicochemical variation, residue mobility, and thermodynamic stability) performed at Invitae indicates that this missense variant is expected to disrupt NF1 protein function. This variant has not been reported in the literature in individuals with NF1-related conditions. This sequence change replaces leucine with arginine at codon 1705 of the NF1 protein (p.Leu1705Arg). The leucine residue is moderately conserved and there is a moderate physicochemical difference between leucine and arginine. This variant is not present in population databases (ExAC no frequency).

NM_001042492.3(NF1):c.5177T>G (p.Leu1726Arg)

Gene: NF1 (neurofibromin 1; plus strand). Cytogenetic location: 17q11.2.
Variant type: single nucleotide variant.
Coding change: c.5177T>G on transcript NM_001042492.3 (MANE Select); coding-DNA position 5177, T replaced by G.
Protein change: p.Leu1726Arg; replaces leucine 1726 with arginine.
Molecular consequence: missense variant.
Genome position (GRCh38, 1-based): chr17:31,326,161, T>G. VCF-style: chr17-31326161-T-G. GRCh37 (hg19) VCF-style: chr17-29653179-T-G.
Other names: c.5114T>G, p.Leu1705Arg (NM_000267.4); short protein forms L1726R, L1705R.
Identifiers: ClinVar variation 1355540 (VCV001355540.8), dbSNP rs2151538809, ClinGen allele CA399007947.